The following is an entry in ClinVar:

ClinVar aggregate classification (germline): Uncertain significance. Review status: criteria provided, single submitter (1 of 4 stars). 2 submissions from 2 submitters: Uncertain significance (1). 1 of the submissions does not count toward it. Last evaluated 2021-05-27.

Conditions:
KIDINS220-related disorder. Also called: KIDINS220-related condition.

Allele frequency attached by ClinVar (database versions not stated): gnomAD exomes below 0.00001 and 0.00001; TOPMed below 0.00001.
gnomAD v4.1: 3 of 1,608,500 alleles (0.00019%); highest among the groups gnomAD compares: East Asian, 0.0045%; no homozygotes.

Submissions (2):

Labcorp Genetics (formerly Invitae), Labcorp
Classification: Uncertain significance. Last evaluated: 2021-05-27. Review status: criteria provided, single submitter. Criteria: Invitae Variant Classification Sherloc (09022015). Collection method: clinical testing. Allele origin: germline.
Comment: This sequence change replaces glutamine with arginine at codon 496 of the KIDINS220 protein (p.Gln496Arg). The glutamine residue is highly conserved and there is a small physicochemical difference between glutamine and arginine. This variant is not present in population databases (ExAC no frequency). This variant has not been reported in the literature in individuals with KIDINS220-related conditions. Algorithms developed to predict the effect of missense changes on protein structure and function (SIFT, PolyPhen-2, Align-GVGD) all suggest that this variant is likely to be tolerated, but these predictions have not been confirmed by published functional studies and their clinical significance is uncertain. In summary, the available evidence is currently insufficient to determine the role of this variant in disease. Therefore, it has been classified as a Variant of Uncertain Significance.

PreventionGenetics, part of Exact Sciences
Classification: Uncertain significance for KIDINS220-related condition. Last evaluated: 2023-11-14. Review status: no assertion criteria provided. Collection method: clinical testing. Allele origin: germline. Not counted in ClinVar's aggregate classification.
Comment: The KIDINS220 c.1487A>G variant is predicted to result in the amino acid substitution p.Gln496Arg. To our knowledge, this variant has not been reported in the literature. This variant is reported in 0.0057% of alleles in individuals of East Asian descent in gnomAD. At this time, the clinical significance of this variant is uncertain due to the absence of conclusive functional and genetic evidence.

NM_020738.4(KIDINS220):c.1487A>G (p.Gln496Arg)

Gene: KIDINS220 (kinase D interacting substrate 220; minus strand). Cytogenetic location: 2p25.1.
Variant type: single nucleotide variant.
Coding change: c.1487A>G on transcript NM_020738.4 (MANE Select); coding-DNA position 1487, A replaced by G.
Protein change: p.Gln496Arg; replaces glutamine 496 with arginine.
Molecular consequence: missense variant. On other transcripts: non-coding transcript variant (2).
Genome position (GRCh38, 1-based): chr2:8,790,014, T>C on the plus strand (A>G on the coding strand, the complement: KIDINS220 is on the minus strand). VCF-style: chr2-8790014-T-C. GRCh37 (hg19) VCF-style: chr2-8930144-T-C.
Other names: c.1487A>G (NM_020738.2); c.1490A>G, p.Gln497Arg (NM_001348729.2, NM_001348731.2, NM_001348734.2 and 3 more transcripts); c.1487A>G, p.Gln496Arg (NM_001348732.2, NM_001348735.2, NM_001348738.2 and 3 more transcripts); c.1361A>G, p.Gln454Arg (NM_001348736.2); short protein forms Q496R, Q454R, Q497R.
Identifiers: ClinVar variation 1446238 (VCV001446238.9), dbSNP rs1269613060, ClinGen allele CA345767995.